The following is an entry in ClinVar:

NM_000038.6(APC):c.7259C>T (p.Ser2420Phe)

Gene: APC (APC regulator of Wnt signaling pathway; plus strand). Cytogenetic location: 5q22.2.
Variant type: single nucleotide variant.
Coding change: c.7259C>T on transcript NM_000038.6 (MANE Select); coding-DNA position 7259, C replaced by T.
Protein change: p.Ser2420Phe; replaces serine 2420 with phenylalanine.
Molecular consequence: missense variant.
Genome position (GRCh38, 1-based): chr5:112,842,853, C>T. VCF-style: chr5-112842853-C-T. GRCh37 (hg19) VCF-style: chr5-112178550-C-T.
Other names: c.7259C>T (NM_000038.5); c.7259C>T, p.Ser2420Phe (NM_001127510.3, NM_001354895.2, NM_001407450.1); c.7205C>T, p.Ser2402Phe (NM_001127511.3); c.7313C>T, p.Ser2438Phe (NM_001354896.2, NM_001407447.1, NM_001407448.1 and 1 more transcripts); c.7289C>T, p.Ser2430Phe (NM_001354897.2); c.7184C>T, p.Ser2395Phe (NM_001354898.2); c.7175C>T, p.Ser2392Phe (NM_001354899.2); c.7136C>T, p.Ser2379Phe (NM_001354900.2); and 12 more; short protein forms S2392F, S2395F, S2410F, S2413F, S2448F, S2137F, S2337F, S2379F.
Identifiers: ClinVar variation 2055112 (VCV002055112.6), dbSNP rs2149983011, ClinGen allele CA16037144.

ClinVar aggregate classification (germline): Uncertain significance. Review status: criteria provided, multiple submitters, no conflicts (2 of 4 stars). 3 submissions from 3 submitters: Uncertain significance (3). Last evaluated 2025-06-06.

Conditions:
Hereditary cancer-predisposing syndrome. Also called: Tumor predisposition; Hereditary Cancer Syndrome; Neoplastic Syndromes, Hereditary; Hereditary neoplastic syndrome. Identifiers: Orphanet 140162, MedGen C0027672, MeSH D009386, MONDO:0015356.
Familial adenomatous polyposis 1 (FAP1). Also called: POLYPOSIS, ADENOMATOUS INTESTINAL; FAMILIAL ADENOMATOUS POLYPOSIS 1, ATTENUATED. Identifiers: MedGen C2713442, MONDO:0021056, OMIM 175100. Disease mechanism: loss of function.

Submissions (3):

GeneDx
Classification: Uncertain significance. Last evaluated: 2025-06-06. Review status: criteria provided, single submitter. Criteria: GeneDx Variant Classification Process June 2021. Collection method: clinical testing. Allele origin: germline. Affected: yes.
Comment: Not observed at significant frequency in large population cohorts (gnomAD); In silico analysis supports that this missense variant has a deleterious effect on protein structure/function; Has not been previously published as pathogenic or benign to our knowledge

Ambry Genetics
Classification: Uncertain significance for Hereditary cancer-predisposing syndrome. Last evaluated: 2024-06-05. Review status: criteria provided, single submitter. Criteria: Ambry Variant Classification Scheme 2023. Collection method: clinical testing. Allele origin: germline.
Comment: The p.S2420F variant (also known as c.7259C>T), located in coding exon 15 of the APC gene, results from a C to T substitution at nucleotide position 7259. The serine at codon 2420 is replaced by phenylalanine, an amino acid with highly dissimilar properties. This amino acid position is conserved. In addition, in silico predictors for this gene do not accurately predict pathogenicity. Based on the available evidence, the clinical significance of this variant remains unclear.

Labcorp Genetics (formerly Invitae), Labcorp
Classification: Uncertain significance for Familial adenomatous polyposis 1. Last evaluated: 2021-12-23. Review status: criteria provided, single submitter. Criteria: Invitae Variant Classification Sherloc (09022015). Collection method: clinical testing. Allele origin: germline.
Comment: In summary, the available evidence is currently insufficient to determine the role of this variant in disease. Therefore, it has been classified as a Variant of Uncertain Significance. Algorithms developed to predict the effect of missense changes on protein structure and function (SIFT, PolyPhen-2, Align-GVGD) all suggest that this variant is likely to be disruptive. This variant has not been reported in the literature in individuals affected with APC-related conditions. This variant is not present in population databases (gnomAD no frequency). This sequence change replaces serine, which is neutral and polar, with phenylalanine, which is neutral and non-polar, at codon 2420 of the APC protein (p.Ser2420Phe).